The following is an entry in ClinVar:

NM_006031.6(PCNT):c.6295C>T (p.Pro2099Ser)

Gene: PCNT (pericentrin; plus strand). Cytogenetic location: 21q22.3.
Variant type: single nucleotide variant.
Coding change: c.6295C>T on transcript NM_006031.6 (MANE Select); coding-DNA position 6295, C replaced by T.
Protein change: p.Pro2099Ser; replaces proline 2099 with serine.
Molecular consequence: missense variant.
Genome position (GRCh38, 1-based): chr21:46,416,213, C>T. VCF-style: chr21-46416213-C-T. GRCh37 (hg19) VCF-style: chr21-47836127-C-T.
Other names: c.5941C>T, p.Pro1981Ser (NM_001315529.2); short protein forms P2099S, P1981S.
Identifiers: ClinVar variation 340514 (VCV000340514.9), dbSNP rs371054707, ClinGen allele CA10080302.

ClinVar aggregate classification (germline): Uncertain significance. Review status: criteria provided, multiple submitters, no conflicts (2 of 4 stars). 3 submissions from 3 submitters: Uncertain significance (3). Last evaluated 2026-04-29.

Conditions:
PCNT-related disorder. Also called: PCNT-related condition.
Microcephalic osteodysplastic primordial dwarfism type II (MOPD2). Also called: OSTEODYSPLASTIC PRIMORDIAL DWARFISM, TYPE II; Microcephalic osteodysplastic primordial dwarfism with tooth abnormalities; MOPD II. Identifiers: Orphanet 2637, MedGen C0432246, MONDO:0008872, OMIM 210720.

Allele frequency attached by ClinVar (database versions not stated): ExAC 0.00003; gnomAD exomes 0.00003 and 0.00006; gnomAD 0.00005 and 0.00006; TOPMed 0.00006; ESP Exome Variant Server 0.00015.
gnomAD v4.1: 64 of 1,614,082 alleles (0.004%); highest among the groups gnomAD compares: Admixed American, 0.01%; no homozygotes.

Submissions (3):

PreventionGenetics, part of Exact Sciences
Classification: Uncertain significance for PCNT-related condition. Last evaluated: 2026-04-29. Review status: criteria provided, single submitter. Criteria: ACMG Guidelines, 2015. Collection method: clinical testing. Allele origin: germline.
Comment: The PCNT c.6295C>T variant is predicted to result in the amino acid substitution p.Pro2099Ser. To our knowledge, this variant has not been reported in the literature. This variant is reported in 0.087% of alleles in individuals of Ashkenazi Jewish descent in gnomAD. Although we suspect that this variant may be benign, at this time, the clinical significance of this variant is uncertain due to the absence of conclusive functional and genetic evidence.

Labcorp Genetics (formerly Invitae), Labcorp
Classification: Uncertain significance. Last evaluated: 2021-12-08. Review status: criteria provided, single submitter. Criteria: Invitae Variant Classification Sherloc (09022015). Collection method: clinical testing. Allele origin: germline.
Comment: This sequence change replaces proline, which is neutral and non-polar, with serine, which is neutral and polar, at codon 2099 of the PCNT protein (p.Pro2099Ser). This variant is present in population databases (rs371054707, gnomAD 0.08%). This variant has not been reported in the literature in individuals affected with PCNT-related conditions. ClinVar contains an entry for this variant (Variation ID: 340514). Algorithms developed to predict the effect of missense changes on protein structure and function (SIFT, PolyPhen-2, Align-GVGD) all suggest that this variant is likely to be tolerated. In summary, the available evidence is currently insufficient to determine the role of this variant in disease. Therefore, it has been classified as a Variant of Uncertain Significance.

Illumina Laboratory Services, Illumina
Classification: Uncertain significance for Microcephalic osteodysplastic primordial dwarfism type II. Last evaluated: 2018-01-13. Review status: criteria provided, single submitter. Criteria: ICSL Variant Classification Criteria 13 December 2019. Collection method: clinical testing. Allele origin: germline.